The following is an entry in ClinVar:

NM_001252024.2(TRPM1):c.2406T>C (p.Asn802=)

Gene: TRPM1 (transient receptor potential cation channel subfamily M member 1; minus strand). Cytogenetic location: 15q13.3.
Variant type: single nucleotide variant.
Coding change: c.2406T>C on transcript NM_001252024.2 (MANE Select); coding-DNA position 2406, T replaced by C.
Protein change: p.Asn802=; no amino-acid change (asparagine 802 retained).
Molecular consequence: synonymous variant.
Genome position (GRCh38, 1-based): chr15:31,038,077, A>G on the plus strand (T>C on the coding strand, the complement: TRPM1 is on the minus strand). VCF-style: chr15-31038077-A-G. GRCh37 (hg19) VCF-style: chr15-31330280-A-G.
Other names: c.2457T>C, p.Asn819= (NM_001252020.2); c.2340T>C, p.Asn780= (NM_002420.6).
Identifiers: ClinVar variation 315511 (VCV000315511.21), dbSNP rs2288242, ClinGen allele CA7452223.
Genomic context (GRCh38, chr15:31,038,077, plus strand): 5'-ATGCTTAGGGTCAAGTGTGTCACTGACCGTATTTTCCTCTTCTTTTTCTTTGCCATCCTC[A>G]TTTTCCTTGGATGTTTGATACGAGAAATCATCATATGTGCGAAATTCCAAAAACAAGATG-3'
Protein context (NP_001238953.1, residues 792-812): DDFSYQTSKE[Asn802=]EDGKEKEEEN

ClinVar aggregate classification (germline): Benign. Review status: criteria provided, multiple submitters, no conflicts (2 of 4 stars). 6 submissions from 6 submitters: Benign (6). Last evaluated 2026-02-04.

Conditions:
Congenital stationary night blindness 1C. Also called: Night blindness, congenital stationary (complete), 1C, autosomal recessive. Identifiers: Orphanet 215, MedGen C2750747, MONDO:0013183, OMIM 613216.

Allele frequency attached by ClinVar (database versions not stated): 1000 Genomes Project 30x 0.75656; 1000 Genomes Project 0.75938; ESP Exome Variant Server 0.77362; TOPMed 0.78050; gnomAD 0.78132 and 0.78201; ExAC 0.81039; gnomAD exomes 0.81893 and 0.82728.
gnomAD v4.1: 1,327,143 of 1,613,820 alleles (82%); highest among the groups gnomAD compares: East Asian, 93%; 549,038 homozygotes.

Submissions (6):

Labcorp Genetics (formerly Invitae), Labcorp
Classification: Benign. Last evaluated: 2026-02-04. Review status: criteria provided, single submitter. Criteria: Invitae Variant Classification Sherloc (09022015). Collection method: clinical testing. Allele origin: germline.

Blueprint Genetics
Classification: Benign. Last evaluated: 2024-11-28. Review status: criteria provided, single submitter. Criteria: ACMG Guidelines, 2015. Collection method: clinical testing. Allele origin: germline.

Genome-Nilou Lab
Classification: Benign for Congenital stationary night blindness 1C. Last evaluated: 2021-09-10. Review status: criteria provided, single submitter. Criteria: ACMG Guidelines, 2015. Collection method: clinical testing. Allele origin: germline. Affected: no.

Illumina Laboratory Services, Illumina
Classification: Benign for Congenital stationary night blindness 1C. Last evaluated: 2018-01-13. Review status: criteria provided, single submitter. Criteria: ICSL Variant Classification Criteria 13 December 2019. Collection method: clinical testing. Allele origin: germline.
Comment: This variant was observed in the ICSL laboratory as part of a predisposition screen in an ostensibly healthy population. It had not been previously curated by ICSL or reported in the Human Gene Mutation Database (HGMD: prior to June 1st, 2018), and was therefore a candidate for classification through an automated scoring system. Utilizing variant allele frequency, disease prevalence and penetrance estimates, and inheritance mode, an automated score was calculated to assess if this variant is too frequent to cause the disease. Based on the score and internal cut-off values, a variant classified as benign is not then subjected to further curation. The score for this variant resulted in a classification of benign for this disease.

GeneDx
Classification: Benign. Last evaluated: 2015-03-03. Review status: criteria provided, single submitter. Criteria: GeneDx Variant Classification Process June 2021. Collection method: clinical testing. Allele origin: germline. Affected: yes.

Breakthrough Genomics
Classification: Benign. Review status: criteria provided, single submitter. Criteria: ACMG Guidelines, 2015. Collection method: not provided. Allele origin: germline. Inheritance: Unknown mechanism. Affected: yes.